The following is an entry in ClinVar:

NM_016111.4(TELO2):c.2034+2T>C

Gene: TELO2 (telomere maintenance 2; plus strand). Cytogenetic location: 16p13.3.
Variant type: single nucleotide variant.
Coding change: c.2034+2T>C on transcript NM_016111.4 (MANE Select); the canonical splice donor site of the intron after coding-DNA position 2034, T replaced by C.
Molecular consequence: splice donor variant.
Genome position (GRCh38, 1-based): chr16:1,505,603, T>C. VCF-style: chr16-1505603-T-C. GRCh37 (hg19) VCF-style: chr16-1555604-T-C.
Other names: c.2034+2T>C (NM_001351846.2).
Identifiers: ClinVar variation 4086194 (VCV004086194.2).

ClinVar aggregate classification (germline): Likely pathogenic. Review status: criteria provided, multiple submitters, no conflicts (2 of 4 stars). 2 submissions from 2 submitters: Likely pathogenic (2). Last evaluated 2025-04-11.

Conditions:
TELO2-related intellectual disability-neurodevelopmental disorder. Also called: You-Hoover-Fong syndrome. Identifiers: Orphanet 488642, MedGen C4310778, MONDO:0014848, OMIM 616954.

Submissions (2):

First Genomix Gene Laboratory, Genetic Diagnostics Department
Classification: Likely pathogenic for TELO2-related intellectual disability-neurodevelopmental disorder. Last evaluated: 2025-04-11. Review status: criteria provided, single submitter. Criteria: ACMG Guidelines, 2015. Collection method: clinical testing. Allele origin: germline. Inheritance: Autosomal recessive inheritance. Affected: no. Observed: 1 variant allele.

Neuberg Centre For Genomic Medicine, NCGM
Classification: Likely pathogenic for TELO2-related intellectual disability-neurodevelopmental disorder. Review status: criteria provided, single submitter. Criteria: ACMG Guidelines, 2015. Collection method: clinical testing. Allele origin: germline. Inheritance: Autosomal dominant inheritance. Affected: yes.